The following is an entry in ClinVar:

NM_001793.6(CDH3):c.806T>C (p.Met269Thr)

Gene: CDH3 (cadherin 3; plus strand). Cytogenetic location: 16q22.1.
Variant type: single nucleotide variant.
Coding change: c.806T>C on transcript NM_001793.6 (MANE Select); coding-DNA position 806, T replaced by C.
Protein change: p.Met269Thr; replaces methionine 269 with threonine.
Molecular consequence: missense variant.
Genome position (GRCh38, 1-based): chr16:68,679,913, T>C. VCF-style: chr16-68679913-T-C. GRCh37 (hg19) VCF-style: chr16-68713816-T-C.
Other names: c.806T>C (NM_001793.5); c.806T>C, p.Met269Thr (NM_001317195.3); c.641T>C, p.Met214Thr (NM_001317196.2); short protein forms M214T, M269T.
Identifiers: ClinVar variation 1899509 (VCV001899509.7), dbSNP rs72785136, ClinGen allele CA8129147.

ClinVar aggregate classification (germline): Uncertain significance. Review status: criteria provided, multiple submitters, no conflicts (2 of 4 stars). 3 submissions from 3 submitters: Uncertain significance (3). Last evaluated 2023-09-20.

Conditions:
CDH3-related disorder. Also called: CDH3-related condition.

Allele frequency attached by ClinVar (database versions not stated): gnomAD exomes below 0.00001; ExAC 0.00001; gnomAD 0.00001; 1000 Genomes Project 30x 0.00016.
gnomAD v4.1: 5 of 1,614,086 alleles (0.00031%); highest among the groups gnomAD compares: African/African-American, 0.0013%; no homozygotes.

Submissions (3):

Blueprint Genetics
Classification: Uncertain significance. Last evaluated: 2023-09-20. Review status: criteria provided, single submitter. Criteria: ACMG Guidelines, 2015. Collection method: clinical testing. Allele origin: germline.

PreventionGenetics, part of Exact Sciences
Classification: Uncertain significance for CDH3-related condition. Last evaluated: 2022-12-14. Review status: criteria provided, single submitter. Criteria: ACMG Guidelines, 2015. Collection method: clinical testing. Allele origin: germline.
Comment: The CDH3 c.806T>C variant is predicted to result in the amino acid substitution p.Met269Thr. To our knowledge, this variant has not been reported in the literature. This variant is reported in 0.0018% of alleles in individuals of European (Non-Finnish) descent in gnomAD. At this time, the clinical significance of this variant is uncertain due to the absence of conclusive functional and genetic evidence.

Labcorp Genetics (formerly Invitae), Labcorp
Classification: Uncertain significance. Last evaluated: 2021-12-30. Review status: criteria provided, single submitter. Criteria: Invitae Variant Classification Sherloc (09022015). Collection method: clinical testing. Allele origin: germline.
Comment: In summary, the available evidence is currently insufficient to determine the role of this variant in disease. Therefore, it has been classified as a Variant of Uncertain Significance. Algorithms developed to predict the effect of missense changes on protein structure and function are either unavailable or do not agree on the potential impact of this missense change (SIFT: "Not Available"; PolyPhen-2: "Probably Damaging"; Align-GVGD: "Not Available"). This variant has not been reported in the literature in individuals affected with CDH3-related conditions. This variant is present in population databases (rs72785136, gnomAD 0.002%). This sequence change replaces methionine, which is neutral and non-polar, with threonine, which is neutral and polar, at codon 269 of the CDH3 protein (p.Met269Thr).